The following is an entry in ClinVar:

NM_005035.4(POLRMT):c.2565G>T (p.Glu855Asp)

Gene: POLRMT (RNA polymerase mitochondrial; minus strand). Cytogenetic location: 19p13.3.
Variant type: single nucleotide variant.
Coding change: c.2565G>T on transcript NM_005035.4 (MANE Select); coding-DNA position 2565, G replaced by T.
Protein change: p.Glu855Asp; replaces glutamic acid 855 with aspartic acid.
Molecular consequence: missense variant. On other transcripts: non-coding transcript variant (1).
Genome position (GRCh38, 1-based): chr19:621,133, C>A on the plus strand (G>T on the coding strand, the complement: POLRMT is on the minus strand). VCF-style: chr19-621133-C-A. GRCh37 (hg19) VCF-style: chr19-621133-C-A.
Other names: c.2565G>T, p.Glu855Asp (NM_001407805.1, NM_001407808.1, NM_001407812.1 and 4 more transcripts); c.2556G>T, p.Glu852Asp (NM_001407806.1, NM_001407809.1); c.2553G>T, p.Glu851Asp (NM_001407807.1, NM_001407810.1); c.2523G>T, p.Glu841Asp (NM_001407811.1, NM_001407813.1); c.2340G>T, p.Glu780Asp (NM_001407830.1, NM_001407832.1); c.2241G>T, p.Glu747Asp (NM_001407831.1, NM_001407833.1, NM_001407835.1 and 1 more transcripts); c.2232G>T, p.Glu744Asp (NM_001407834.1); short protein forms E744D, E747D, E780D, E841D, E851D, E852D, E855D.
Identifiers: ClinVar variation 2637769 (VCV002637769.1), dbSNP rs774951851, ClinGen allele CA402898504.

ClinVar aggregate classification (germline): Uncertain significance (1 of 4 stars; one submission).

Allele frequency attached by ClinVar (database versions not stated): gnomAD 0.00001.
gnomAD v4.1: 1 of 1,610,914 alleles (0.000062%); highest among the groups gnomAD compares: Non-Finnish European, 0.000085%; no homozygotes.

Submission:

Women's Health and Genetics/Laboratory Corporation of America, LabCorp
Classification: Uncertain significance. Last evaluated: 2023-10-02. Review status: criteria provided, single submitter. Criteria: LabCorp Variant Classification Summary - May 2015. Collection method: clinical testing. Allele origin: germline.
Comment: Variant summary: POLRMT c.2565G>T (p.Glu855Asp) results in a conservative amino acid change located in the C-terminal domain, phage-type (IPR046950) of the encoded protein sequence. Five of five in-silico tools predict a benign effect of the variant on protein function. The variant allele was found at a frequency of 6.6e-06 in 150748 control chromosomes (i.e., 1 heterozygote; gnomAD v3.1.2). The available data on variant occurrences in the general population are insufficient to allow any conclusion about variant significance. To our knowledge, no occurrence of c.2565G>T in individuals affected with Combined Oxidative Phosphorylation Deficiency 55 and no experimental evidence demonstrating its impact on protein function have been reported. No submitters have reported clinical-significance assessments for this variant to ClinVar after 2014. Based on the evidence outlined above, the variant was classified as uncertain significance.